The following is an entry in ClinVar:

ClinVar aggregate classification (germline): Pathogenic (1 of 4 stars; one submission).

Conditions:
X-linked Emery-Dreifuss muscular dystrophy. Also called: Muscular dystrophy, tardive Emery-Dreifuss type, with contractures. Identifiers: Orphanet 261, Orphanet 98863, MedGen C0751337, MONDO:0010680.

Submission:

Labcorp Genetics (formerly Invitae), Labcorp
Classification: Pathogenic for X-linked Emery-Dreifuss muscular dystrophy. Last evaluated: 2023-04-24. Review status: criteria provided, single submitter. Criteria: Invitae Variant Classification Sherloc (09022015). Collection method: clinical testing. Allele origin: germline.
Comment: For these reasons, this variant has been classified as Pathogenic. This variant has not been reported in the literature in individuals affected with EMD-related conditions. This variant results in the deletion of deletion of exon 1-3 and part of exon 4 (c.-450_298del) of the EMD gene. It is expected to result in an absent or disrupted protein product. Loss-of-function variants in EMD are known to be pathogenic (PMID: 24365856).

Literature cited by the submitters: PubMed 24365856.

NC_000023.10:g.(?_153607393)_(153608624_?)del

Gene: EMD (emerin; plus strand). Cytogenetic location: Xq28.
Variant type: Deletion.
Identifiers: ClinVar variation 2422372 (VCV002422372.5).